The following is an entry in ClinVar:

NM_001204.7(BMPR2):c.1053C>T (p.Asp351=)

Gene: BMPR2 (bone morphogenetic protein receptor type 2; plus strand). Cytogenetic location: 2q33.2.
Variant type: single nucleotide variant.
Coding change: c.1053C>T on transcript NM_001204.7 (MANE Select); coding-DNA position 1053, C replaced by T.
Protein change: p.Asp351=; no amino-acid change (aspartic acid 351 retained).
Molecular consequence: synonymous variant.
Genome position (GRCh38, 1-based): chr2:202,530,879, C>T. VCF-style: chr2-202530879-C-T. GRCh37 (hg19) VCF-style: chr2-203395602-C-T.
Identifiers: ClinVar variation 2651826 (VCV002651826.25), dbSNP rs1213654596, ClinGen allele CA430847709.

ClinVar aggregate classification (germline): Likely benign. Review status: criteria provided, multiple submitters, no conflicts (2 of 4 stars). 2 submissions from 2 submitters: Likely benign (2). Last evaluated 2024-11-18.

Conditions:
Inborn genetic diseases. Identifiers: MedGen C0950123, MeSH D030342.

Allele frequency attached by ClinVar (database versions not stated): gnomAD exomes 0.00001; gnomAD 0.00002; TOPMed 0.00002.
gnomAD v4.1: 25 of 1,613,944 alleles (0.0015%); highest among the groups gnomAD compares: Middle Eastern, 0.016%; no homozygotes.

Submissions (2):

Ambry Genetics
Classification: Likely benign for Inborn genetic diseases. Last evaluated: 2024-11-18. Review status: criteria provided, single submitter. Criteria: Ambry Variant Classification Scheme 2023. Collection method: clinical testing. Allele origin: germline.

CeGaT Center for Human Genetics Tuebingen
Classification: Likely benign. Last evaluated: 2023-10-01. Review status: criteria provided, single submitter. Criteria: CeGaT Center For Human Genetics Tuebingen Variant Classification Criteria Version 2. Collection method: clinical testing. Allele origin: germline. Affected: yes. Observed: 1 variant allele.
Comment: BMPR2: BP4, BP7